The following is an entry in ClinVar:

ClinVar aggregate classification (germline): Pathogenic (1 of 4 stars; one submission).

Submission:

Labcorp Genetics (formerly Invitae), Labcorp
Classification: Pathogenic. Last evaluated: 2023-09-10. Review status: criteria provided, single submitter. Criteria: Invitae Variant Classification Sherloc (09022015). Collection method: clinical testing. Allele origin: germline.
Comment: This variant has not been reported in the literature in individuals affected with TBCE-related conditions. For these reasons, this variant has been classified as Pathogenic. This variant is not present in population databases (gnomAD no frequency). This sequence change creates a premature translational stop signal (p.Tyr418Serfs*6) in the TBCE gene. It is expected to result in an absent or disrupted protein product. Loss-of-function variants in TBCE are known to be pathogenic (PMID: 27666369, 34134906, 34356170).

Literature cited by the submitters: PubMed 27666369; PubMed 34134906; PubMed 34356170.

NM_003193.5(TBCE):c.1253del (p.Tyr418fs)

Gene: TBCE (tubulin folding cofactor E; plus strand). Cytogenetic location: 1q42.3.
Variant type: Deletion.
Coding change: c.1253del on transcript NM_003193.5 (MANE Select); coding-DNA position 1253, one base deleted (A; older notation c.1253delA).
Protein change: p.Tyr418fs; shifts the reading frame from tyrosine 418.
Molecular consequence: frameshift variant.
Genome position (GRCh38, 1-based): chr1:235,438,905, A deleted. VCF-style (leftmost placement, unchanged base first): chr1-235438904-TA-T. GRCh37 (hg19) VCF-style: chr1-235602219-TA-T.
Other names: c.1253del, p.Tyr418fs (NM_001079515.3); c.1406del, p.Tyr469fs (NM_001287801.2); c.914del, p.Tyr305fs (NM_001287802.2); short protein forms Y305fs, Y418fs, Y469fs.
Identifiers: ClinVar variation 2759574 (VCV002759574.3), dbSNP rs2527051551, ClinGen allele CA2697555008.